The following is an entry in ClinVar:

NM_001204077.2(UBE4A):c.1424G>A (p.Arg475Gln)

Gene: UBE4A (ubiquitination factor E4A; plus strand). Cytogenetic location: 11q23.3.
Variant type: single nucleotide variant.
Coding change: c.1424G>A on transcript NM_001204077.2 (MANE Select); coding-DNA position 1424, G replaced by A.
Protein change: p.Arg475Gln; replaces arginine 475 with glutamine.
Molecular consequence: missense variant.
Genome position (GRCh38, 1-based): chr11:118,375,203, G>A. VCF-style: chr11-118375203-G-A. GRCh37 (hg19) VCF-style: chr11-118245918-G-A.
Other names: c.1445G>A, p.Arg482Gln (NM_004788.4); short protein forms R482Q, R475Q.
Identifiers: ClinVar variation 2368040 (VCV002368040.3), dbSNP rs145336832, ClinGen allele CA6302577.

ClinVar aggregate classification (germline): Uncertain significance. Review status: criteria provided, multiple submitters, no conflicts (2 of 4 stars). 2 submissions from 2 submitters: Uncertain significance (2). Last evaluated 2023-10-22.

Conditions:
Inborn genetic diseases. Identifiers: MedGen C0950123, MeSH D030342.

Allele frequency attached by ClinVar (database versions not stated): gnomAD 0.00034; ExAC 0.00036; TOPMed 0.00038; ESP Exome Variant Server 0.00046; gnomAD exomes 0.00056.
gnomAD v4.1: 873 of 1,608,154 alleles (0.054%); highest among the groups gnomAD compares: Non-Finnish European, 0.067%; no homozygotes.

Submissions (2):

GeneDx
Classification: Uncertain significance. Last evaluated: 2023-10-22. Review status: criteria provided, single submitter. Criteria: GeneDx Variant Classification Process June 2021. Collection method: clinical testing. Allele origin: germline. Affected: yes.
Comment: In silico analysis supports that this missense variant does not alter protein structure/function; Has not been previously published as pathogenic or benign to our knowledge

Ambry Genetics
Classification: Uncertain significance for Inborn genetic diseases. Last evaluated: 2022-09-29. Review status: criteria provided, single submitter. Criteria: Ambry Variant Classification Scheme 2023. Collection method: clinical testing. Allele origin: germline.